The following is an entry in ClinVar:

ClinVar aggregate classification (germline): Pathogenic/Likely pathogenic. Review status: criteria provided, multiple submitters, no conflicts (2 of 4 stars). 2 submissions from 2 submitters: Pathogenic (1); Likely pathogenic (1). Last evaluated 2022-03-19.

Conditions:
COG1 congenital disorder of glycosylation (CDG2G). Also called: CDG IIg; CDGII/COG1 CEREBROCOSTOMANDIBULAR-LIKE SYNDROME; CONGENITAL DISORDER OF GLYCOSYLATION, TYPE IIg. Identifiers: Orphanet 263508, MedGen C2931011, MONDO:0012637, OMIM 611209.

Allele frequency attached by ClinVar (database versions not stated): gnomAD exomes below 0.00001 and 0.00001; TOPMed below 0.00001; gnomAD 0.00001.

Submissions (2):

Fulgent Genetics
Classification: Likely pathogenic for COG1 congenital disorder of glycosylation. Last evaluated: 2022-03-19. Review status: criteria provided, single submitter. Criteria: ACMG Guidelines, 2015. Collection method: clinical testing. Allele origin: unknown.

Labcorp Genetics (formerly Invitae), Labcorp
Classification: Pathogenic for COG1 congenital disorder of glycosylation. Last evaluated: 2019-09-09. Review status: criteria provided, single submitter. Criteria: Invitae Variant Classification Sherloc (09022015). Collection method: clinical testing. Allele origin: germline.
Comment: For these reasons, this variant has been classified as Pathogenic. Loss-of-function variants in COG1 are known to be pathogenic (PMID: 16537452). This variant has not been reported in the literature in individuals with COG1-related conditions. This variant is not present in population databases (ExAC no frequency). This sequence change creates a premature translational stop signal (p.Trp476*) in the COG1 gene. It is expected to result in an absent or disrupted protein product.

Literature cited by the submitters: PubMed 16537452 (cited by Labcorp Genetics (formerly Invitae), Labcorp).

NM_018714.3(COG1):c.1428G>A (p.Trp476Ter)

Gene: COG1 (component of oligomeric golgi complex 1; plus strand). Cytogenetic location: 17q25.1.
Variant type: single nucleotide variant.
Coding change: c.1428G>A on transcript NM_018714.3 (MANE Select); coding-DNA position 1428, G replaced by A.
Protein change: p.Trp476Ter; replaces tryptophan 476 with a stop codon.
Molecular consequence: nonsense.
Genome position (GRCh38, 1-based): chr17:73,201,255, G>A. VCF-style: chr17-73201255-G-A. GRCh37 (hg19) VCF-style: chr17-71197394-G-A.
Other names: short protein forms W476*.
Identifiers: ClinVar variation 934395 (VCV000934395.8), dbSNP rs1227032564, ClinGen allele CA400891375.